The following is an entry in ClinVar:

ClinVar aggregate classification (germline): Uncertain significance (1 of 4 stars; one submission).

gnomAD v4.1: 1 of 1,584,622 alleles (0.000063%); highest among the groups gnomAD compares: South Asian, 0.0011%; no homozygotes.

Submission:

CeGaT Center for Human Genetics Tuebingen
Classification: Uncertain significance. Last evaluated: 2023-08-01. Review status: criteria provided, single submitter. Criteria: CeGaT Center For Human Genetics Tuebingen Variant Classification Criteria Version 2. Collection method: clinical testing. Allele origin: germline. Affected: yes. Observed: 1 variant allele.
Comment: RYR2: PM2

NM_001035.3(RYR2):c.10721G>A (p.Cys3574Tyr)

Gene: RYR2 (ryanodine receptor 2; plus strand). Cytogenetic location: 1q43.
Variant type: single nucleotide variant.
Coding change: c.10721G>A on transcript NM_001035.3 (MANE Select); coding-DNA position 10721, G replaced by A.
Protein change: p.Cys3574Tyr; replaces cysteine 3574 with tyrosine.
Molecular consequence: missense variant.
Genome position (GRCh38, 1-based): chr1:237,726,304, G>A. VCF-style: chr1-237726304-G-A. GRCh37 (hg19) VCF-style: chr1-237889604-G-A.
Other names: short protein forms C3574Y.
Identifiers: ClinVar variation 2578602 (VCV002578602.25), dbSNP rs1405759797, ClinGen allele CA345416759.